The following is an entry in ClinVar:

NM_014974.3(DIP2C):c.825A>C (p.Glu275Asp)

Genes: DIP2C (DIP2 acetate--CoA ligase C (putative); minus strand), LOC126860807 (CDK7 strongly-dependent group 2 enhancer GRCh37_chr10:461462-462661; plus strand). Cytogenetic location: 10p15.3.
Variant type: single nucleotide variant.
Coding change: c.825A>C on transcript NM_014974.3 (MANE Select); coding-DNA position 825, A replaced by C.
Protein change: p.Glu275Asp; replaces glutamic acid 275 with aspartic acid.
Molecular consequence: missense variant.
Genome position (GRCh38, 1-based): chr10:415,803, T>G on the plus strand (A>C on the coding strand, the complement: DIP2C is on the minus strand). VCF-style: chr10-415803-T-G. GRCh37 (hg19) VCF-style: chr10-461743-T-G.
Other names: short protein forms E275D.
Identifiers: ClinVar variation 1353144 (VCV001353144.8), dbSNP rs1564681633, ClinGen allele CA375832552.

ClinVar aggregate classification (germline): Uncertain significance (1 of 4 stars; one submission).

Submission:

Labcorp Genetics (formerly Invitae), Labcorp
Classification: Uncertain significance. Last evaluated: 2021-05-12. Review status: criteria provided, single submitter. Criteria: Invitae Variant Classification Sherloc (09022015). Collection method: clinical testing. Allele origin: germline.
Comment: In summary, the available evidence is currently insufficient to determine the role of this variant in disease. Therefore, it has been classified as a Variant of Uncertain Significance. Algorithms developed to predict the effect of missense changes on protein structure and function (SIFT, PolyPhen-2, Align-GVGD) all suggest that this variant is likely to be tolerated, but these predictions have not been confirmed by published functional studies and their clinical significance is uncertain. This variant has not been reported in the literature in individuals with DIP2C-related conditions. This variant is not present in population databases (ExAC no frequency). This sequence change replaces glutamic acid with aspartic acid at codon 275 of the DIP2C protein (p.Glu275Asp). The glutamic acid residue is moderately conserved and there is a small physicochemical difference between glutamic acid and aspartic acid.